The following is an entry in ClinVar:

NM_138694.4(PKHD1):c.8798-453G>A

Gene: PKHD1 (PKHD1 ciliary IPT domain containing fibrocystin/polyductin; minus strand). Cytogenetic location: 6p12.3.
Variant type: single nucleotide variant.
Coding change: c.8798-453G>A on transcript NM_138694.4 (MANE Select); 453 bases into the intron before coding-DNA position 8798, G replaced by A.
Molecular consequence: intron variant.
Genome position (GRCh38, 1-based): chr6:51,753,806, C>T on the plus strand (G>A on the coding strand, the complement: PKHD1 is on the minus strand). VCF-style: chr6-51753806-C-T. GRCh37 (hg19) VCF-style: chr6-51618604-C-T.
Other names: c.8798-453G>A (NM_170724.3).
Identifiers: ClinVar variation 4986368 (VCV004986368.1).

ClinVar aggregate classification (germline): Likely benign (1 of 4 stars; one submission).

Conditions:
PKHD1-related disorder. Also called: PKHD1-related condition.

gnomAD v4.1: 2 of 152,160 alleles (0.0013%); highest among the groups gnomAD compares: African/African-American, 0.0048%; no homozygotes.

Submission:

PreventionGenetics, part of Exact Sciences
Classification: Likely benign for PKHD1-related condition. Last evaluated: 2025-10-16. Review status: criteria provided, single submitter. Criteria: ACMG Guidelines, 2015. Collection method: clinical testing. Allele origin: germline.
Comment: This variant is classified as likely benign based on ACMG/AMP sequence variant interpretation guidelines (Richards et al. 2015 PMID: 25741868, with internal and published modifications).